The following is an entry in ClinVar:

ClinVar aggregate classification (germline): Uncertain significance (1 of 4 stars; one submission).

Conditions:
Fanconi anemia (FA). Also called: Fanconi's anemia. Identifiers: Orphanet 84, MedGen C0015625, MeSH D005199, MONDO:0019391.

Submission:

Labcorp Genetics (formerly Invitae), Labcorp
Classification: Uncertain significance for Fanconi anemia. Last evaluated: 2026-02-01. Review status: criteria provided, single submitter. Criteria: Invitae Variant Classification Sherloc (09022015). Collection method: clinical testing. Allele origin: germline.
Comment: This sequence change replaces alanine, which is neutral and non-polar, with valine, which is neutral and non-polar, at codon 627 of the FANCD2 protein (p.Ala627Val). This variant is present in population databases (no rsID available, gnomAD 0.007%). This variant has not been reported in the literature in individuals affected with FANCD2-related conditions. Invitae Evidence Modeling of protein sequence and biophysical properties (such as structural, functional, and spatial information, amino acid conservation, physicochemical variation, residue mobility, and thermodynamic stability) indicates that this missense variant is not expected to disrupt FANCD2 protein function with a negative predictive value of 80%. In summary, the available evidence is currently insufficient to determine the role of this variant in disease. Therefore, it has been classified as a Variant of Uncertain Significance.

NM_001018115.3(FANCD2):c.1880C>T (p.Ala627Val)

Genes: FANCD2 (FA complementation group D2; plus strand), LOC107303338 (3p25 FANCD2 Alu-mediated recombination region; plus strand). Cytogenetic location: 3p25.3.
Variant type: single nucleotide variant.
Coding change: c.1880C>T on transcript NM_001018115.3 (MANE Select); coding-DNA position 1880, C replaced by T.
Protein change: p.Ala627Val; replaces alanine 627 with valine.
Molecular consequence: missense variant.
Genome position (GRCh38, 1-based): chr3:10,063,844, C>T. VCF-style: chr3-10063844-C-T. GRCh37 (hg19) VCF-style: chr3-10105528-C-T.
Other names: c.1880C>T, p.Ala627Val (NM_001319984.2, NM_001374254.1, NM_033084.6); c.1769C>T, p.Ala590Val (NM_001374253.1); short protein forms A590V, A627V.
Identifiers: ClinVar variation 4744741 (VCV004744741.1).
Genomic context (GRCh38, chr3:10,063,844, plus strand): 5'-TGCTCCAGGTGACCTCCTTGTTGCAGTTGGTTCATTCCTGCAGTGAGCAGTCTCCTCAGG[C>T]CTCTGCACTTTACTATGATGAATTTGCCAACCTGATCCAACATGAAAAGCTGGATCCAAA-3'
Protein context (NP_001018125.1, residues 617-637): VHSCSEQSPQ[Ala627Val]SALYYDEFAN